The following is an entry in ClinVar:

NM_017617.5(NOTCH1):c.6278T>C (p.Met2093Thr)

Gene: NOTCH1 (notch receptor 1; minus strand). Cytogenetic location: 9q34.3.
Variant type: single nucleotide variant.
Coding change: c.6278T>C on transcript NM_017617.5 (MANE Select); coding-DNA position 6278, T replaced by C.
Protein change: p.Met2093Thr; replaces methionine 2093 with threonine.
Molecular consequence: missense variant.
Genome position (GRCh38, 1-based): chr9:136,497,461, A>G on the plus strand (T>C on the coding strand, the complement: NOTCH1 is on the minus strand). VCF-style: chr9-136497461-A-G. GRCh37 (hg19) VCF-style: chr9-139391913-A-G.
Other names: short protein forms M2093T.
Identifiers: ClinVar variation 4121639 (VCV004121639.1).
Genomic context (GRCh38, chr9:136,497,461, plus strand): 5'-AGCAGCCTCACGATGTCGTGATGCATGCGCTCCTGTGCGATGTCGCGCGGCAGGCGGTCC[A>G]TATGATCCGTGATGTCCCGGTTGGCAAAGTGGTCCAGCAGCACCTTGGCGGTCTCGTAGC-3'
Protein context (NP_060087.3, residues 2083-2103): HFANRDITDH[Met2093Thr]DRLPRDIAQE

ClinVar aggregate classification (germline): Uncertain significance (1 of 4 stars; one submission).

Conditions:
Familial thoracic aortic aneurysm and aortic dissection (TAAD). Also called: Thoracic aortic aneurysms and dissections. Identifiers: Orphanet 91387, MedGen C4707243, MONDO:0019625.

Submission:

Ambry Genetics
Classification: Uncertain significance for Familial thoracic aortic aneurysm and aortic dissection. Last evaluated: 2025-06-20. Review status: criteria provided, single submitter. Criteria: Ambry Variant Classification Scheme 2023. Collection method: clinical testing. Allele origin: germline.
Comment: The p.M2093T variant (also known as c.6278T>C), located in coding exon 34 of the NOTCH1 gene, results from a T to C substitution at nucleotide position 6278. The methionine at codon 2093 is replaced by threonine, an amino acid with similar properties. This amino acid position is conserved. In addition, the in silico prediction for this alteration is inconclusive. Based on the available evidence, the clinical significance of this variant remains unclear.